The following is an entry in ClinVar:

NM_022726.4(ELOVL4):c.255G>T (p.Gly85=)

Gene: ELOVL4 (ELOVL fatty acid elongase 4; minus strand). Cytogenetic location: 6q14.1.
Variant type: single nucleotide variant.
Coding change: c.255G>T on transcript NM_022726.4 (MANE Select); coding-DNA position 255, G replaced by T.
Protein change: p.Gly85=; no amino-acid change (glycine 85 retained).
Molecular consequence: synonymous variant.
Genome position (GRCh38, 1-based): chr6:79,926,227, C>A on the plus strand (G>T on the coding strand, the complement: ELOVL4 is on the minus strand). VCF-style: chr6-79926227-C-A. GRCh37 (hg19) VCF-style: chr6-80635944-C-A.
Identifiers: ClinVar variation 4712040 (VCV004712040.1).

ClinVar aggregate classification (germline): Uncertain significance (1 of 4 stars; one submission).

Submission:

Labcorp Genetics (formerly Invitae), Labcorp
Classification: Uncertain significance. Last evaluated: 2025-03-25. Review status: criteria provided, single submitter. Criteria: Invitae Variant Classification Sherloc (09022015). Collection method: clinical testing. Allele origin: germline.
Comment: This sequence change affects codon 85 of the ELOVL4 mRNA. It is a 'silent' change, meaning that it does not change the encoded amino acid sequence of the ELOVL4 protein. This variant is present in population databases (no rsID available, gnomAD 0.0009%). This variant has not been reported in the literature in individuals affected with ELOVL4-related conditions. Algorithms developed to predict the effect of sequence changes on RNA splicing suggest that this variant may create or strengthen a splice site. In summary, the available evidence is currently insufficient to determine the role of this variant in disease. Therefore, it has been classified as a Variant of Uncertain Significance.